The following is an entry in ClinVar:

NM_001159699.2(FHL1):c.419A>G (p.Lys140Arg)

Gene: FHL1 (four and a half LIM domains 1; plus strand). Cytogenetic location: Xq26.3.
Variant type: single nucleotide variant.
Coding change: c.419A>G on transcript NM_001159699.2 (MANE Select); coding-DNA position 419, A replaced by G.
Protein change: p.Lys140Arg; replaces lysine 140 with arginine.
Molecular consequence: missense variant. On other transcripts: non-coding transcript variant (1).
Genome position (GRCh38, 1-based): chrX:136,207,831, A>G. VCF-style: chrX-136207831-A-G. GRCh37 (hg19) VCF-style: chrX-135289990-A-G.
Other names: c.371A>G, p.Lys124Arg (NM_001159700.2, NM_001159702.3, NM_001159703.2 and 9 more transcripts); c.458A>G, p.Lys153Arg (NM_001159701.2); c.419A>G, p.Lys140Arg (NM_001330659.2); short protein forms K140R, K153R, K124R.
Identifiers: ClinVar variation 2129109 (VCV002129109.1), dbSNP rs2521283949, ClinGen allele CA414608369.

ClinVar aggregate classification (germline): Uncertain significance (1 of 4 stars; one submission).

Conditions:
X-linked myopathy with postural muscle atrophy. Also called: FHL1-Related Emery-Dreifuss Muscular Dystrophy, X-Linked. Identifiers: Orphanet 178461, MedGen C2678055, MONDO:0010401, OMIM 300696.

Submission:

Labcorp Genetics (formerly Invitae), Labcorp
Classification: Uncertain significance for X-linked myopathy with postural muscle atrophy. Last evaluated: 2022-04-22. Review status: criteria provided, single submitter. Criteria: Invitae Variant Classification Sherloc (09022015). Collection method: clinical testing. Allele origin: germline.
Comment: This sequence change replaces lysine, which is basic and polar, with arginine, which is basic and polar, at codon 124 of the FHL1 protein (p.Lys124Arg). This variant is not present in population databases (gnomAD no frequency). This variant has not been reported in the literature in individuals affected with FHL1-related conditions. Algorithms developed to predict the effect of missense changes on protein structure and function are either unavailable or do not agree on the potential impact of this missense change (SIFT: "Tolerated"; PolyPhen-2: "Possibly Damaging"; Align-GVGD: "Class C0"). In summary, the available evidence is currently insufficient to determine the role of this variant in disease. Therefore, it has been classified as a Variant of Uncertain Significance.